The following is an entry in ClinVar:

ClinVar aggregate classification (germline): Conflicting classifications of pathogenicity. Review status: criteria provided, conflicting classifications (1 of 4 stars). 15 submissions from 9 submitters: Uncertain significance (5); Benign (5); Likely benign (5). Last evaluated 2026-01-18.

Conditions:
Geleophysic dysplasia. Identifiers: Orphanet 2623, MedGen C3489726, MONDO:0000127.
Weill-Marchesani syndrome. Also called: WM Syndrome; Mesodermal dysmorphodystrophy congenital. Identifiers: Orphanet 3449, MedGen C0265313, MONDO:0018096.
Marfan syndrome (MFS). Also called: FBN1-Related Marfan Syndrome; Marfan syndrome, classic; MARFAN SYNDROME, TYPE I; Marfan syndrome type 1; Marfan's syndrome. Identifiers: Orphanet 284963, Orphanet 558, MedGen C0024796, MONDO:0007947, OMIM 154700.
Familial thoracic aortic aneurysm and aortic dissection (TAAD). Also called: Thoracic aortic aneurysms and dissections. Identifiers: Orphanet 91387, MedGen C4707243, MONDO:0019625.
Stiff skin syndrome (SSKS). Identifiers: Orphanet 2833, MedGen C1861456, MONDO:0008492, OMIM 184900.
Ectopia lentis 1, isolated, autosomal dominant (ECTOL1). Identifiers: Orphanet 1885, MedGen C3541518, MONDO:0007514, OMIM 129600.
Acromicric dysplasia (ACMICD). Also called: Acromicric skeletal dysplasia. Identifiers: Orphanet 969, MedGen C0265287, MONDO:0007055, OMIM 102370.

Allele frequency attached by ClinVar (database versions not stated): gnomAD 0.00006 and 0.00005; gnomAD exomes 0.00009; TOPMed 0.00009; ESP Exome Variant Server 0.00015.
gnomAD v4.1: 143 of 1,614,108 alleles (0.0089%); highest among the groups gnomAD compares: Non-Finnish European, 0.011%; no homozygotes.

Submissions (15):

Labcorp Genetics (formerly Invitae), Labcorp
Classification: Likely benign for Marfan syndrome; Familial thoracic aortic aneurysm and aortic dissection. Last evaluated: 2026-01-18. Review status: criteria provided, single submitter. Criteria: Invitae Variant Classification Sherloc (09022015). Collection method: clinical testing. Allele origin: germline.

Women's Health and Genetics/Laboratory Corporation of America, LabCorp
Classification: Likely benign. Last evaluated: 2025-08-07. Review status: criteria provided, single submitter. Criteria: LabCorp Variant Classification Summary - May 2015. Collection method: clinical testing. Allele origin: germline.
Comment: Variant summary: FBN1 c.8071G>A (p.Gly2691Ser) results in a non-conservative amino acid change in the encoded protein sequence. Algorithms developed to predict the effect of missense changes on protein structure and function all suggest that this variant is likely to be disruptive. The variant allele was found at a frequency of 9.2e-05 in 1461874 control chromosomes, predominantly at a frequency of 0.00012 within the Non-Finnish European subpopulation in the gnomAD database. The observed variant frequency within Non-Finnish European control individuals in the gnomAD database is above the estimated maximal expected allele frequency for a pathogenic variant in FBN1 causing Marfan Syndrome phenotype (0.00011). c.8071G>A has been observed in individual(s) affected with Marfan Syndrome and an individual with vascular anomalies (Mattassi_2018, Lerner-Ellis_2014). These report(s) do not provide unequivocal conclusions about association of the variant with Marfan Syndrome. To our knowledge, no experimental evidence demonstrating an impact on protein function has been reported. The following publications have been ascertained in the context of this evaluation (PMID: 24793577, 28655553). ClinVar contains an entry for this variant (Variation ID: 42439). Based on the evidence outlined above, the variant was classified as likely benign.

Ambry Genetics
Classification: Uncertain significance for Familial thoracic aortic aneurysm and aortic dissection. Last evaluated: 2025-05-02. Review status: criteria provided, single submitter. Criteria: Ambry Variant Classification Scheme 2023. Collection method: clinical testing. Allele origin: germline.
Comment: The p.G2691S variant (also known as c.8071G>A), located in coding exon 64 of the FBN1 gene, results from a G to A substitution at nucleotide position 8071. The glycine at codon 2691 is replaced by serine, an amino acid with similar properties. This variant was detected in an individual with Marfan syndrome who also had an FBN1 truncation variant detected (Lerner-Ellis JP et al. Mol. Genet. Metab., 2014 Jun;112:171-6). This variant was also reported in one individual from a congenital vascular anomalies cohort; however, clinical details were not provided (Mattassi R et al. J. Vasc. Surg., 2018 03;67:922-932.e11). This amino acid position is highly conserved in available vertebrate species. In addition, this alteration is predicted to be deleterious by in silico analysis. Since supporting evidence is limited at this time, the clinical significance of this alteration remains unclear.

Blueprint Genetics
Classification: Likely benign. Last evaluated: 2024-05-16. Review status: criteria provided, single submitter. Criteria: ACMG Guidelines, 2015. Collection method: clinical testing. Allele origin: germline.

Color Diagnostics, LLC DBA Color Health
Classification: Likely benign for Familial thoracic aortic aneurysm and aortic dissection. Last evaluated: 2024-04-23. Review status: criteria provided, single submitter. Criteria: ACMG Guidelines, 2015. Collection method: clinical testing. Allele origin: germline.

All of Us Research Program, National Institutes of Health
Classification: Uncertain significance for Marfan syndrome. Last evaluated: 2023-12-13. Review status: criteria provided, single submitter. Criteria: ACMG Guidelines, 2015. Collection method: clinical testing. Allele origin: germline. Inheritance: Autosomal dominant inheritance. Observed: 16 variant alleles, 16 heterozygotes.
Comment: This missense variant replaces glycine with serine at codon 2691 of the FBN1 protein. Computational prediction is inconclusive regarding the impact of this variant on protein structure and function (internally defined REVEL score threshold 0.5 < inconclusive < 0.7, PMID: 27666373). To our knowledge, functional studies have not been reported for this variant. This variant has not been reported in individuals affected with cardiovascular disorders in the literature. This variant has been identified in 15/251368 chromosomes in the general population by the Genome Aggregation Database (gnomAD). The available evidence is insufficient to determine the role of this variant in disease conclusively. Therefore, this variant is classified as a Variant of Uncertain Significance.

This study involves interpretation of variants in research participants for the purpose of population health screening. Participant phenotype was not available at the time of variant classification. Additional details can be found in publication PMID: 35346344, PMCID: PMC8962531

CHEO Genetics Diagnostic Laboratory, Children's Hospital of Eastern Ontario
Classification: Uncertain significance for Familial thoracic aortic aneurysm and aortic dissection. Last evaluated: 2019-05-22. Review status: criteria provided, single submitter. Criteria: ACMG Guidelines, 2015. Collection method: clinical testing. Allele origin: germline.

Illumina Laboratory Services, Illumina
Classification: Uncertain significance for Familial thoracic aortic aneurysm and aortic dissection. Last evaluated: 2018-01-13. Review status: criteria provided, single submitter. Criteria: ICSL Variant Classification Criteria 13 December 2019. Collection method: clinical testing. Allele origin: germline.

Illumina Laboratory Services, Illumina
Classification: Likely benign for Marfan syndrome. Last evaluated: 2018-01-13. Review status: criteria provided, single submitter. Criteria: ICSL Variant Classification Criteria 13 December 2019. Collection method: clinical testing. Allele origin: germline.
Comment: This variant was observed in the ICSL laboratory as part of a predisposition screen in an ostensibly healthy population. It had not been previously curated by ICSL or reported in the Human Gene Mutation Database (HGMD: prior to June 1st, 2018), and was therefore a candidate for classification through an automated scoring system. Utilizing variant allele frequency, disease prevalence and penetrance estimates, and inheritance mode, an automated score was calculated to assess if this variant is too frequent to cause the disease. Based on the score and internal cut-off values, a variant classified as likely benign is not then subjected to further curation. The score for this variant resulted in a classification of likely benign for this disease.

Illumina Laboratory Services, Illumina
Classification: Benign for Weill-Marchesani syndrome. Last evaluated: 2018-01-13. Review status: criteria provided, single submitter. Criteria: ICSL Variant Classification Criteria 13 December 2019. Collection method: clinical testing. Allele origin: germline.
Comment: This variant was observed in the ICSL laboratory as part of a predisposition screen in an ostensibly healthy population. It had not been previously curated by ICSL or reported in the Human Gene Mutation Database (HGMD: prior to June 1st, 2018), and was therefore a candidate for classification through an automated scoring system. Utilizing variant allele frequency, disease prevalence and penetrance estimates, and inheritance mode, an automated score was calculated to assess if this variant is too frequent to cause the disease. Based on the score and internal cut-off values, a variant classified as benign is not then subjected to further curation. The score for this variant resulted in a classification of benign for this disease.

Illumina Laboratory Services, Illumina
Classification: Benign for Geleophysic dysplasia. Last evaluated: 2018-01-13. Review status: criteria provided, single submitter. Criteria: ICSL Variant Classification Criteria 13 December 2019. Collection method: clinical testing. Allele origin: germline.
Comment: the same text as in the submission from Illumina Laboratory Services, Illumina above.

Illumina Laboratory Services, Illumina
Classification: Benign for Ectopia lentis 1, isolated, autosomal dominant. Last evaluated: 2018-01-13. Review status: criteria provided, single submitter. Criteria: ICSL Variant Classification Criteria 13 December 2019. Collection method: clinical testing. Allele origin: germline.
Comment: the same text as in the submission from Illumina Laboratory Services, Illumina above.

Illumina Laboratory Services, Illumina
Classification: Benign for Acromicric dysplasia. Last evaluated: 2018-01-13. Review status: criteria provided, single submitter. Criteria: ICSL Variant Classification Criteria 13 December 2019. Collection method: clinical testing. Allele origin: germline.
Comment: the same text as in the submission from Illumina Laboratory Services, Illumina above.

Illumina Laboratory Services, Illumina
Classification: Benign for Stiff skin syndrome. Last evaluated: 2018-01-13. Review status: criteria provided, single submitter. Criteria: ICSL Variant Classification Criteria 13 December 2019. Collection method: clinical testing. Allele origin: germline.
Comment: the same text as in the submission from Illumina Laboratory Services, Illumina above.

Laboratory for Molecular Medicine, Mass General Brigham Personalized Medicine
Classification: Uncertain significance. Last evaluated: 2010-07-01. Review status: criteria provided, single submitter. Criteria: LMM Criteria. Collection method: clinical testing. Allele origin: germline. Observed: 1 variant allele.

Literature cited by the submitters: PubMed 24793577 (cited by Women's Health and Genetics/Laboratory Corporation of America, LabCorp and Ambry Genetics); PubMed 28655553 (cited by Women's Health and Genetics/Laboratory Corporation of America, LabCorp and Ambry Genetics); PubMed 31149040 (cited by Ambry Genetics).

NM_000138.5(FBN1):c.8071G>A (p.Gly2691Ser)

Gene: FBN1 (fibrillin 1; minus strand). Cytogenetic location: 15q21.1.
Variant type: single nucleotide variant.
Coding change: c.8071G>A on transcript NM_000138.5 (MANE Select); coding-DNA position 8071, G replaced by A.
Protein change: p.Gly2691Ser; replaces glycine 2691 with serine.
Molecular consequence: missense variant.
Genome position (GRCh38, 1-based): chr15:48,412,724, C>T on the plus strand (G>A on the coding strand, the complement: FBN1 is on the minus strand). VCF-style: chr15-48412724-C-T. GRCh37 (hg19) VCF-style: chr15-48704921-C-T.
Other names: short protein forms G2691S.
Identifiers: ClinVar variation 42439 (VCV000042439.29), dbSNP rs145105768, ClinGen allele CA017540.